The following is an entry in ClinVar:

NM_000424.4(KRT5):c.506G>A (p.Arg169His)

Gene: KRT5 (keratin 5; minus strand). Cytogenetic location: 12q13.13.
Variant type: single nucleotide variant.
Coding change: c.506G>A on transcript NM_000424.4 (MANE Select); coding-DNA position 506, G replaced by A.
Protein change: p.Arg169His; replaces arginine 169 with histidine.
Molecular consequence: missense variant.
Genome position (GRCh38, 1-based): chr12:52,519,791, C>T on the plus strand (G>A on the coding strand, the complement: KRT5 is on the minus strand). VCF-style: chr12-52519791-C-T. GRCh37 (hg19) VCF-style: chr12-52913575-C-T.
Other names: c.506G>A (NM_000424.3); short protein forms R169H.
Identifiers: ClinVar variation 2189895 (VCV002189895.5), dbSNP rs60720877, ClinGen allele CA6582836.

ClinVar aggregate classification (germline): Uncertain significance. Review status: criteria provided, multiple submitters, no conflicts (2 of 4 stars). 2 submissions from 2 submitters: Uncertain significance (2). Last evaluated 2022-05-10.

Conditions:
Inborn genetic diseases. Identifiers: MedGen C0950123, MeSH D030342.

Allele frequency attached by ClinVar (database versions not stated): gnomAD exomes 0.00004; ExAC 0.00006; TOPMed 0.00010; gnomAD 0.00011; 1000 Genomes Project 30x 0.00016; 1000 Genomes Project 0.00020; ESP Exome Variant Server 0.00023.

Submissions (2):

Labcorp Genetics (formerly Invitae), Labcorp
Classification: Uncertain significance. Last evaluated: 2022-05-10. Review status: criteria provided, single submitter. Criteria: Invitae Variant Classification Sherloc (09022015). Collection method: clinical testing. Allele origin: germline.
Comment: In summary, the available evidence is currently insufficient to determine the role of this variant in disease. Therefore, it has been classified as a Variant of Uncertain Significance. Algorithms developed to predict the effect of missense changes on protein structure and function (SIFT, PolyPhen-2, Align-GVGD) all suggest that this variant is likely to be disruptive. This variant has not been reported in the literature in individuals affected with KRT5-related conditions. This variant is present in population databases (rs60720877, gnomAD 0.03%). This sequence change replaces arginine, which is basic and polar, with histidine, which is basic and polar, at codon 169 of the KRT5 protein (p.Arg169His).

Ambry Genetics
Classification: Uncertain significance for Inborn genetic diseases. Last evaluated: 2021-06-18. Review status: criteria provided, single submitter. Criteria: Ambry Variant Classification Scheme 2023. Collection method: clinical testing. Allele origin: germline.